The following is an entry in ClinVar:

NM_175875.5(SIX5):c.134_139dup (p.Ala46_Ala47insGluAla)

Genes: DM1-AS (DM1 locus antisense RNA; plus strand), SIX5 (SIX homeobox 5; minus strand), LOC107075317 (origin of replication in DMPK trinucleotide repeat region; plus strand), LOC129929037 (ATAC-STARR-seq lymphoblastoid silent region 10794; plus strand). Cytogenetic location: 19q13.32.
Variant type: Duplication.
Coding change: c.134_139dup on transcript NM_175875.5 (MANE Select); coding-DNA positions 134 to 139, 6 bases duplicated (AGGCGG; older notation c.134_139dupAGGCGG).
Protein change: p.Ala46_Ala47insGluAla.
Molecular consequence: inframe insertion.
Genome position (GRCh38, 1-based): chr19:45,768,706-45,768,711, CCGCCT duplicated on the plus strand (AGGCGG on the coding strand, the reverse complement: SIX5 is on the minus strand); duplicating any 6 consecutive bases within chr19:45,768,706-45,768,712 gives the same sequence; the c. name uses the placement nearest the transcript's 3' end. VCF-style (leftmost placement, unchanged base first): chr19-45768705-G-GCCGCCT. GRCh37 (hg19) VCF-style: chr19-46271963-G-GCCGCCT.
Identifiers: ClinVar variation 4977779 (VCV004977779.1).
Genomic context (GRCh38, chr19:45,768,705, plus strand): 5'-GGGGATCCCGGGCCCTCAGCTCCCGCAGCCGCTGCGCCCGCCCCGGCCCCGGCCGCCGCC[G>GCCGCCT]CCGCCTCACCCTCGGCCGCCTGCAAAGTCTGCAAGAGCTGGCGCGCTTCCTCCTCCTCCT-3'

ClinVar aggregate classification (germline): Uncertain significance (1 of 4 stars; one submission).

Conditions:
SIX5-related disorder. Also called: SIX5-related condition.

Submission:

PreventionGenetics, part of Exact Sciences
Classification: Uncertain significance for SIX5-related condition. Last evaluated: 2026-09-23. Review status: criteria provided, single submitter. Criteria: ACMG Guidelines, 2015. Collection method: clinical testing. Allele origin: germline.
Comment: The SIX5 c.134_139dup6 variant is predicted to result in an in-frame duplication (p.Glu45_Ala46dup). To our knowledge, this variant has not been reported in the literature or in a large population database (gnomAD), indicating this variant is rare. At this time, the clinical significance of this variant is uncertain due to the absence of conclusive functional and genetic evidence.